The following is an entry in ClinVar:

ClinVar aggregate classification (germline): Conflicting classifications of pathogenicity. Review status: criteria provided, conflicting classifications (1 of 4 stars). 2 submissions from 2 submitters: Likely pathogenic (1); Uncertain significance (1). Last evaluated 2024-04-25.

Conditions:
Intellectual developmental disorder with dysmorphic facies and behavioral abnormalities. Identifiers: MedGen C4748135, MONDO:0060760, OMIM 618089.

Submissions (2):

Institute of Immunology and Genetics Kaiserslautern
Classification: Likely pathogenic for Intellectual developmental disorder with dysmorphic facies and behavioral abnormalities. Last evaluated: 2024-04-25. Review status: criteria provided, single submitter. Criteria: ACMG Guidelines, 2015. Collection method: clinical testing. Allele origin: de novo. Affected: yes.
Comment: ACMG Criteria: PM2, PP3, PS2; Variant was found in heterozygous state

Baylor Genetics
Classification: Uncertain significance for Intellectual developmental disorder with dysmorphic facies and behavioral abnormalities. Last evaluated: 2019-04-11. Review status: criteria provided, single submitter. Criteria: ACMG Guidelines, 2015. Collection method: clinical testing. Allele origin: unknown. Affected: yes.
Comment: This variant was determined to be of uncertain significance according to ACMG Guidelines, 2015 [PMID:25741868].

NM_001190274.2(FBXO11):c.1367A>T (p.Asp456Val)

Gene: FBXO11 (F-box protein 11; minus strand). Cytogenetic location: 2p16.3.
Variant type: single nucleotide variant.
Coding change: c.1367A>T on transcript NM_001190274.2 (MANE Select); coding-DNA position 1367, A replaced by T.
Protein change: p.Asp456Val; replaces aspartic acid 456 with valine.
Molecular consequence: missense variant.
Genome position (GRCh38, 1-based): chr2:47,832,380, T>A on the plus strand (A>T on the coding strand, the complement: FBXO11 is on the minus strand). VCF-style: chr2-47832380-T-A. GRCh37 (hg19) VCF-style: chr2-48059519-T-A.
Other names: c.1115A>T, p.Asp372Val (NM_001374325.1, NM_025133.4); short protein forms D372V, D456V.
Identifiers: ClinVar variation 1031218 (VCV001031218.2), dbSNP rs112661514, ClinGen allele CA346765235.